The following is an entry in ClinVar:

ClinVar aggregate classification (germline): Benign (1 of 4 stars; one submission).

Conditions:
Multiple endocrine neoplasia, type 1 (MEN1). Also called: MEN I; WERMER SYNDROME; Endocrine adenomatosis multiple; MEN 1; MEA I. Identifiers: Orphanet 652, MedGen C0025267, MeSH D018761, MONDO:0007540, OMIM 131100.

Submission:

Myriad Genetics, Inc.
Classification: Benign for Multiple endocrine neoplasia, type 1. Last evaluated: 2024-10-31. Review status: criteria provided, single submitter. Criteria: Myriad Autosomal Dominant, Autosomal Recessive and X-Linked Classification Criteria (2023). Collection method: clinical testing. Allele origin: unknown.
Comment: This variant is considered benign. This variant is a silent/synonymous amino acid change and it is not expected to impact splicing.

NM_001370259.2(MEN1):c.30G>A (p.Leu10=)

Gene: MEN1 (menin 1; minus strand). Cytogenetic location: 11q13.1.
Variant type: single nucleotide variant.
Coding change: c.30G>A on transcript NM_001370259.2 (MANE Select); coding-DNA position 30, G replaced by A.
Protein change: p.Leu10=; no amino-acid change (leucine 10 retained).
Molecular consequence: synonymous variant. On other transcripts: non-coding transcript variant (4).
Genome position (GRCh38, 1-based): chr11:64,810,080, C>T on the plus strand (G>A on the coding strand, the complement: MEN1 is on the minus strand). VCF-style: chr11-64810080-C-T. GRCh37 (hg19) VCF-style: chr11-64577552-C-T.
Other names: c.30G>A, p.Leu10= (NM_000244.4, NM_001370251.2, NM_001370260.2 and 20 more transcripts).
Identifiers: ClinVar variation 3773273 (VCV003773273.1).